The following is an entry in ClinVar:

ClinVar aggregate classification (germline): Pathogenic (1 of 4 stars; one submission).

Conditions:
X-linked agammaglobulinemia with growth hormone deficiency (IGHD3). Also called: AGAMMAGLOBULINEMIA AND ISOLATED GROWTH HORMONE DEFICIENCY, X-LINKED; ISOLATED GROWTH HORMONE DEFICIENCY, TYPE III, WITH AGAMMAGLOBULINEMIA; FLEISHER SYNDROME; HYPOGAMMAGLOBULINEMIA AND ISOLATED GROWTH HORMONE DEFICIENCY, X-LINKED; IGHD III; Isolated growth hormone deficiency type 3. Identifiers: Orphanet 231692, Orphanet 631, MedGen C0472813, MONDO:0010615, OMIM 307200.

Submission:

Labcorp Genetics (formerly Invitae), Labcorp
Classification: Pathogenic for X-linked agammaglobulinemia with growth hormone deficiency. Last evaluated: 2022-08-08. Review status: criteria provided, single submitter. Criteria: Invitae Variant Classification Sherloc (09022015). Collection method: clinical testing. Allele origin: germline.
Comment: For these reasons, this variant has been classified as Pathogenic. Retrotransposon insertions including LINE1 (L1), Alu, and SVA (SINE-VNTR-Alu) have been reported to be disease-causing through disruption of either a coding region or splice site (PMID: 19763152, 20307669, 22406018) and loss-of-function variants in BTK are known to be pathogenic (PMID: 15661032, 16862044, 19419768). This variant has not been reported in the literature in individuals affected with BTK-related conditions. This variant is not present in population databases (gnomAD no frequency). This sequence change inserts a large fragment of DNA, likely a transposable element, in exon 16 of the BTK gene (c.1624_1625ins?), causing a frameshift at codon 541 (p.Gly541fs). The exact size and sequence of the insertion cannot be determined by the current assay. However, the insertion is expected to result in an absent or disrupted protein product.

Literature cited by the submitters: PubMed 19763152; PubMed 20307669; PubMed 22406018; PubMed 15661032; PubMed 16862044; PubMed 19419768.

NM_000061.3(BTK):c.1624_1625insGCGCCGGCGAGCGCCGCCCGGGAGGCAGCGGCTGGAGGAGCGGACGGGCCCCCCCGGGCCCGAGGGCAACGAGCAGACCCCAGCCNNNNNNNNNNAAAAAAAAAAAAAAAAAAAATAAAGTATCTGATTTCGGCC (p.Gly541_Leu542insArgAlaGlyGluArgArgProGlyGlySerGlyTrpArgSerGlyArgAlaProProGlyProArgAlaThrSerArgProGlnProXaaXaaXaaLysLysLysLysLysLysAsnLysValSerAspPheGly)

Gene: BTK (Bruton tyrosine kinase; minus strand). Cytogenetic location: Xq22.1.
Variant type: Insertion.
Coding change: c.1624_1625insGCGCCGGCGAGCGCCGCCCGGGAGGCAGCGGCTGGAGGAGCGGACGGGCCCCCCCGGGCCCGAGGGCAACGAGCAGACCCCAGCCNNNNNNNNNNAAAAAAAAAAAAAAAAAAAATAAAGTATCTGATTTCGGCC on transcript NM_000061.3 (MANE Select); coding-DNA positions 1624 to 1625, GCGCCGGCGAGCGCCGCCCGGGAGGCAGCGGCTGGAGGAGCGGACGGGCCCCCCCGGGCCCGAGGGCAACGAGCAGACCCCAGCCNNNNNNNNNNAAAAAAAAAAAAAAAAAAAATAAAGTATCTGATTTCGGCC inserted.
Protein change: p.Gly541_Leu542insArgAlaGlyGluArgArgProGlyGlySerGlyTrpArgSerGlyArgAlaProProGlyProArgAlaThrSerArgProGlnProXaaXaaXaaLysLysLysLysLysLysAsnLysValSerAspPheGly.
Molecular consequence: inframe insertion.
Genome position: GRCh38: chrX:101,354,656-101,354,657. GRCh37 (hg19): chrX:100,609,644-100,609,645.
Other names: c.1726_1727insGCGCCGGCGAGCGCCGCCCGGGAGGCAGCGGCTGGAGGAGCGGACGGGCCCCCCCGGGCCCGAGGGCAACGAGCAGACCCCAGCCNNNNNNNNNNAAAAAAAAAAAAAAAAAAAATAAAGTATCTGATTTCGGCC, p.Gly575_Leu576insArgAlaGlyGluArgArgProGlyGlySerGlyTrpArgSerGlyArgAlaProProGlyProArgAlaThrSerArgProGlnProXaaXaaXaaLysLysLysLysLysLysAsnLysValSerAspPheGly (NM_001287344.2); c.1096_1097insGCGCCGGCGAGCGCCGCCCGGGAGGCAGCGGCTGGAGGAGCGGACGGGCCCCCCCGGGCCCGAGGGCAACGAGCAGACCCCAGCCNNNNNNNNNNAAAAAAAAAAAAAAAAAAAATAAAGTATCTGATTTCGGCC, p.Gly365_Leu366insArgAlaGlyGluArgArgProGlyGlySerGlyTrpArgSerGlyArgAlaProProGlyProArgAlaThrSerArgProGlnProXaaXaaXaaLysLysLysLysLysLysAsnLysValSerAspPheGly (NM_001287345.2).
Identifiers: ClinVar variation 2022800 (VCV002022800.4), dbSNP rs2520540499.